The following is an entry in ClinVar:

ClinVar aggregate classification (germline): Uncertain significance (1 of 4 stars; one submission).

Conditions:
3MC syndrome 1. Also called: CRANIOSYNOSTOSIS WITH LID ANOMALIES; OCULOPALATOSKELETAL SYNDROME; MICHELS SYNDROME. Identifiers: Orphanet 293843, MedGen C0796059, MONDO:0009770, OMIM 257920.

Allele frequency attached by ClinVar (database versions not stated): gnomAD 0.00001; gnomAD exomes 0.00001; ESP Exome Variant Server 0.00008.
gnomAD v4.1: 6 of 1,614,072 alleles (0.00037%); highest among the groups gnomAD compares: Admixed American, 0.0083%; no homozygotes.

Submission:

Labcorp Genetics (formerly Invitae), Labcorp
Classification: Uncertain significance for 3MC syndrome 1. Last evaluated: 2022-02-21. Review status: criteria provided, single submitter. Criteria: Invitae Variant Classification Sherloc (09022015). Collection method: clinical testing. Allele origin: germline.
Comment: In summary, the available evidence is currently insufficient to determine the role of this variant in disease. Therefore, it has been classified as a Variant of Uncertain Significance. Algorithms developed to predict the effect of missense changes on protein structure and function output the following: SIFT: "Tolerated"; PolyPhen-2: "Benign"; Align-GVGD: "Class C0". The threonine amino acid residue is found in multiple mammalian species, which suggests that this missense change does not adversely affect protein function. This variant has not been reported in the literature in individuals affected with MASP1-related conditions. This variant is present in population databases (rs371645022, gnomAD 0.01%). This sequence change replaces lysine, which is basic and polar, with threonine, which is neutral and polar, at codon 318 of the MASP1 protein (p.Lys318Thr).

NM_139125.4(MASP1):c.953A>C (p.Lys318Thr)

Gene: MASP1 (MBL associated serine protease 1; minus strand). Cytogenetic location: 3q27.3.
Variant type: single nucleotide variant.
Coding change: c.953A>C on transcript NM_139125.4 (MANE Select); coding-DNA position 953, A replaced by C.
Protein change: p.Lys318Thr; replaces lysine 318 with threonine.
Molecular consequence: missense variant. On other transcripts: non-coding transcript variant (1).
Genome position (GRCh38, 1-based): chr3:187,251,692, T>G on the plus strand (A>C on the coding strand, the complement: MASP1 is on the minus strand). VCF-style: chr3-187251692-T-G. GRCh37 (hg19) VCF-style: chr3-186969480-T-G.
Other names: c.953A>C, p.Lys318Thr (NM_001031849.3, NM_001879.6); short protein forms K318T.
Identifiers: ClinVar variation 1973271 (VCV001973271.5), dbSNP rs371645022, ClinGen allele CA89691169.
Genomic context (GRCh38, chr3:187,251,692, plus strand): 5'-ACCTTCAGCACTTTGTAGCCTGTGTCACAGCTGACGAGCACTTGGTCTTTGAAGAAATAC[T>G]TGGCTTGGGAGGGCTCGATTTTCCCATGGACAGGAGGCTGTAGCTCTGGGCACTCATTTC-3'
Protein context (NP_624302.1, residues 308-328): VHGKIEPSQA[Lys318Thr]YFFKDQVLVS